The following is an entry in ClinVar:

NM_012082.4(ZFPM2):c.280A>G (p.Thr94Ala)

Gene: ZFPM2 (zinc finger protein, FOG family member 2; plus strand). Cytogenetic location: 8q23.1.
Variant type: single nucleotide variant.
Coding change: c.280A>G on transcript NM_012082.4 (MANE Select); coding-DNA position 280, A replaced by G.
Protein change: p.Thr94Ala; replaces threonine 94 with alanine.
Molecular consequence: missense variant. On other transcripts: 5 prime UTR variant (1).
Genome position (GRCh38, 1-based): chr8:105,444,360, A>G. VCF-style: chr8-105444360-A-G. GRCh37 (hg19) VCF-style: chr8-106456588-A-G.
Other names: c.121A>G, p.Thr41Ala (NM_001362836.2); c.-117A>G (NM_001362837.2); short protein forms T41A, T94A.
Identifiers: ClinVar variation 3030310 (VCV003030310.5), dbSNP rs563358406, ClinGen allele CA4839437.

ClinVar aggregate classification (germline): Uncertain significance. Review status: criteria provided, multiple submitters, no conflicts (2 of 4 stars). 3 submissions from 3 submitters: Uncertain significance (2). 1 of the submissions does not count toward it. Last evaluated 2024-06-28.

Conditions:
ZFPM2-related disorder. Also called: ZFPM2-related condition.
Inborn genetic diseases. Identifiers: MedGen C0950123, MeSH D030342.
46,XY sex reversal 9 (SRXY9). Also called: 46,XY SEX REVERSAL, ZFPM2-RELATED. Identifiers: Orphanet 251510, MedGen C4015129, MONDO:0014480, OMIM 616067.

Allele frequency attached by ClinVar (database versions not stated): gnomAD 0.00003; gnomAD exomes 0.00004; ExAC 0.00013; 1000 Genomes Project 30x 0.00016; 1000 Genomes Project 0.00020.
gnomAD v4.1: 61 of 1,612,148 alleles (0.0038%); highest among the groups gnomAD compares: South Asian, 0.062%; no homozygotes.

Submissions (3):

Ambry Genetics
Classification: Uncertain significance for Inborn genetic diseases. Last evaluated: 2024-06-28. Review status: criteria provided, single submitter. Criteria: Ambry Variant Classification Scheme 2023. Collection method: clinical testing. Allele origin: germline.

Labcorp Genetics (formerly Invitae), Labcorp
Classification: Uncertain significance for 46,XY sex reversal 9. Last evaluated: 2024-05-17. Review status: criteria provided, single submitter. Criteria: Invitae Variant Classification Sherloc (09022015). Collection method: clinical testing. Allele origin: germline.
Comment: This sequence change replaces threonine, which is neutral and polar, with alanine, which is neutral and non-polar, at codon 94 of the ZFPM2 protein (p.Thr94Ala). This variant is present in population databases (rs563358406, gnomAD 0.07%), and has an allele count higher than expected for a pathogenic variant. This variant has not been reported in the literature in individuals affected with ZFPM2-related conditions. Algorithms developed to predict the effect of missense changes on protein structure and function output the following: SIFT: "Not Available"; PolyPhen-2: "Benign"; Align-GVGD: "Not Available". The alanine amino acid residue is found in multiple mammalian species, which suggests that this missense change does not adversely affect protein function. In summary, the available evidence is currently insufficient to determine the role of this variant in disease. Therefore, it has been classified as a Variant of Uncertain Significance.

PreventionGenetics, part of Exact Sciences
Classification: Likely benign for ZFPM2-related condition. Last evaluated: 2022-02-23. Review status: no assertion criteria provided. Collection method: clinical testing. Allele origin: germline. Not counted in ClinVar's aggregate classification.
Comment: This variant is classified as likely benign based on ACMG/AMP sequence variant interpretation guidelines (Richards et al. 2015 PMID: 25741868, with internal and published modifications).